The following is an entry in ClinVar:

NM_000554.6(CRX):c.790G>A (p.Val264Met)

Gene: CRX (cone-rod homeobox; plus strand). Cytogenetic location: 19q13.33.
Variant type: single nucleotide variant.
Coding change: c.790G>A on transcript NM_000554.6 (MANE Select); coding-DNA position 790, G replaced by A.
Protein change: p.Val264Met; replaces valine 264 with methionine.
Molecular consequence: missense variant.
Genome position (GRCh38, 1-based): chr19:47,839,857, G>A. VCF-style: chr19-47839857-G-A. GRCh37 (hg19) VCF-style: chr19-48343114-G-A.
Other names: c.790G>A (NM_000554.5); short protein forms V264M.
Identifiers: ClinVar variation 1465917 (VCV001465917.8), dbSNP rs138146799, ClinGen allele CA9544574.

ClinVar aggregate classification (germline): Uncertain significance. Review status: criteria provided, multiple submitters, no conflicts (2 of 4 stars). 3 submissions from 3 submitters: Uncertain significance (3). Last evaluated 2026-09-21.

Conditions:
Leber congenital amaurosis 7 (LCA7). Identifiers: Orphanet 65, MedGen C3151192, MONDO:0013449, OMIM 613829.
Cone-rod dystrophy 2 (CORD2). Also called: CONE-ROD RETINAL DYSTROPHY; Cone-rod retinal dystrophy 2. Identifiers: Orphanet 1872, MedGen C3489532, MONDO:0007362, OMIM 120970.
CRX-related disorder. Also called: CRX-related condition.

Allele frequency attached by ClinVar (database versions not stated): ExAC 0.00002; gnomAD exomes 0.00003; ESP Exome Variant Server 0.00008; gnomAD 0.00009; TOPMed 0.00014.
gnomAD v4.1: 50 of 1,613,926 alleles (0.0031%); highest among the groups gnomAD compares: African/African-American, 0.029%; no homozygotes.

Submissions (3):

PreventionGenetics, part of Exact Sciences
Classification: Uncertain significance for CRX-related condition. Last evaluated: 2026-09-21. Review status: criteria provided, single submitter. Criteria: ACMG Guidelines, 2015. Collection method: clinical testing. Allele origin: germline.
Comment: The CRX c.790G>A variant is predicted to result in the amino acid substitution p.Val264Met. This variant has been reported in the heterozygous state in individuals with inherited retinal disease (Table S5, Huang et al. 2015. PubMed ID: 25356976; Yi et al. 2019. PubMed ID: 31626798). This variant is reported in 0.028% of alleles in individuals of African descent in gnomAD. At this time, the clinical significance of this variant is uncertain due to the absence of conclusive functional and genetic evidence.

Labcorp Genetics (formerly Invitae), Labcorp
Classification: Uncertain significance for Cone-rod dystrophy 2; Leber congenital amaurosis 7. Last evaluated: 2024-11-18. Review status: criteria provided, single submitter. Criteria: Invitae Variant Classification Sherloc (09022015). Collection method: clinical testing. Allele origin: germline.
Comment: This sequence change replaces valine, which is neutral and non-polar, with methionine, which is neutral and non-polar, at codon 264 of the CRX protein (p.Val264Met). This variant is present in population databases (rs138146799, gnomAD 0.03%). This missense change has been observed in individuals with cone-rod dystrophy (PMID: 25356976, 31626798). ClinVar contains an entry for this variant (Variation ID: 1465917). Invitae Evidence Modeling of protein sequence and biophysical properties (such as structural, functional, and spatial information, amino acid conservation, physicochemical variation, residue mobility, and thermodynamic stability) indicates that this missense variant is not expected to disrupt CRX protein function with a negative predictive value of 95%. In summary, the available evidence is currently insufficient to determine the role of this variant in disease. Therefore, it has been classified as a Variant of Uncertain Significance.

Blueprint Genetics
Classification: Uncertain significance. Last evaluated: 2021-02-03. Review status: criteria provided, single submitter. Criteria: ACMG Guidelines, 2015. Collection method: clinical testing. Allele origin: germline.

Literature cited by the submitters: PubMed 25356976 (cited by Labcorp Genetics (formerly Invitae), Labcorp); PubMed 31626798 (cited by Labcorp Genetics (formerly Invitae), Labcorp).